The following is an entry in ClinVar:

NM_001365951.3(KIF1B):c.4256G>A (p.Arg1419His)

Gene: KIF1B (kinesin family member 1B; plus strand). Cytogenetic location: 1p36.22.
Variant type: single nucleotide variant.
Coding change: c.4256G>A on transcript NM_001365951.3 (MANE Select); coding-DNA position 4256, G replaced by A.
Protein change: p.Arg1419His; replaces arginine 1419 with histidine.
Molecular consequence: missense variant.
Genome position (GRCh38, 1-based): chr1:10,361,777, G>A. VCF-style: chr1-10361777-G-A. GRCh37 (hg19) VCF-style: chr1-10421835-G-A.
Other names: c.4256G>A, p.Arg1419His (NM_001365952.1); c.4118G>A, p.Arg1373His (NM_015074.3); short protein forms R1373H, R1419H.
Identifiers: ClinVar variation 917108 (VCV000917108.9), dbSNP rs567728453, ClinGen allele CA17847774.
Genomic context (GRCh38, chr1:10,361,777, plus strand): 5'-TCATCACCAAGGATGTGTGCATGGTCTTCTACTCCCGAGATGCCAAGATCTCACCACCAC[G>A]CTCTCTGCGTAGCCTCTTTGGCAGCGGCTACTCAAAGTCACCAGATTCGTAAGTTTTTCA-3'
Protein context (NP_001352880.1, residues 1409-1429): YSRDAKISPP[Arg1419His]SLRSLFGSGY

ClinVar aggregate classification (germline): Uncertain significance. Review status: criteria provided, multiple submitters, no conflicts (2 of 4 stars). 3 submissions from 3 submitters: Uncertain significance (3). Last evaluated 2024-10-05.

Conditions:
Charcot-Marie-Tooth disease. Also called: Charcot-Marie-Tooth Hereditary Neuropathy; Charcot-Marie-Tooth Neuropathy. Identifiers: Orphanet 166, MedGen C0007959, MONDO:0015626.
Charcot-Marie-Tooth disease type 2. Also called: Charcot-Marie-Tooth type 2. Identifiers: Orphanet 64746, MedGen C0270914, MONDO:0018993.

Allele frequency attached by ClinVar (database versions not stated): gnomAD exomes 0.00001; TOPMed 0.00002; gnomAD 0.00001.
gnomAD v4.1: 23 of 1,613,914 alleles (0.0014%); highest among the groups gnomAD compares: Admixed American, 0.0033%; no homozygotes.

Submissions (3):

Ambry Genetics
Classification: Uncertain significance. Last evaluated: 2024-10-05. Review status: criteria provided, single submitter. Criteria: Ambry Variant Classification Scheme 2023. Collection method: clinical testing. Allele origin: germline.
Comment: The p.R1373H variant (also known as c.4118G>A), located in coding exon 37 of the KIF1B gene, results from a G to A substitution at nucleotide position 4118. The arginine at codon 1373 is replaced by histidine, an amino acid with highly similar properties. This amino acid position is highly conserved in available vertebrate species. In addition, this alteration is predicted to be deleterious by in silico analysis. Since supporting evidence is limited at this time, the clinical significance of this alteration remains unclear.

Labcorp Genetics (formerly Invitae), Labcorp
Classification: Uncertain significance for Charcot-Marie-Tooth disease type 2. Last evaluated: 2024-04-01. Review status: criteria provided, single submitter. Criteria: Invitae Variant Classification Sherloc (09022015). Collection method: clinical testing. Allele origin: germline.
Comment: This sequence change replaces arginine, which is basic and polar, with histidine, which is basic and polar, at codon 1373 of the KIF1B protein (p.Arg1373His). This variant is present in population databases (rs567728453, gnomAD 0.006%). This missense change has been observed in individual(s) with Charcot-Marie-Tooth disease (PMID: 32376792). ClinVar contains an entry for this variant (Variation ID: 917108). An algorithm developed to predict the effect of missense changes on protein structure and function (PolyPhen-2) suggests that this variant is likely to be disruptive. In summary, the available evidence is currently insufficient to determine the role of this variant in disease. Therefore, it has been classified as a Variant of Uncertain Significance.

Molecular Genetics Laboratory, London Health Sciences Centre
Classification: Uncertain significance for Charcot-Marie-Tooth disease. Review status: criteria provided, single submitter. Criteria: ACMG Guidelines, 2015. Collection method: clinical testing. Allele origin: germline. Affected: yes.

Literature cited by the submitters: PubMed 32376792 (cited by Labcorp Genetics (formerly Invitae), Labcorp).